The following is an entry in ClinVar:

ClinVar aggregate classification (germline): Uncertain significance (1 of 4 stars; one submission).

gnomAD v4.1: 7 of 1,614,106 alleles (0.00043%); highest among the groups gnomAD compares: East Asian, 0.013%; no homozygotes.

Submission:

Women's Health and Genetics/Laboratory Corporation of America, LabCorp
Classification: Uncertain significance. Last evaluated: 2025-12-18. Review status: criteria provided, single submitter. Criteria: LabCorp Variant Classification Summary - May 2015. Collection method: clinical testing. Allele origin: germline.
Comment: Variant summary: SCNN1B c.905G>A (p.Gly302Asp) results in a non-conservative amino acid change in the encoded protein sequence. Algorithms developed to predict the effect of missense changes on protein structure and function are either unavailable or do not agree on the potential impact of this missense change. The variant allele was found at a frequency of 1.2e-05 in 251080 control chromosomes. The available data on variant occurrences in the general population are insufficient to allow any conclusion about variant significance. To our knowledge, no occurrence of c.905G>A in individuals affected with SCNN1B-related conditions and no experimental evidence demonstrating its impact on protein function have been reported. No submitters have cited clinical-significance assessments for this variant to ClinVar. Based on the evidence outlined above, the variant was classified as uncertain significance.

NM_000336.3(SCNN1B):c.905G>A (p.Gly302Asp)

Gene: SCNN1B (sodium channel epithelial 1 subunit beta; plus strand). Cytogenetic location: 16p12.2.
Variant type: single nucleotide variant.
Coding change: c.905G>A on transcript NM_000336.3 (MANE Select); coding-DNA position 905, G replaced by A.
Protein change: p.Gly302Asp; replaces glycine 302 with aspartic acid.
Molecular consequence: missense variant.
Genome position (GRCh38, 1-based): chr16:23,371,323, G>A. VCF-style: chr16-23371323-G-A. GRCh37 (hg19) VCF-style: chr16-23382644-G-A.
Other names: c.905G>A, p.Gly302Asp (NM_001410900.1); short protein forms G302D.
Identifiers: ClinVar variation 4688217 (VCV004688217.1).